The following is an entry in ClinVar:

NM_183381.3(RNF13):c.57G>T (p.Leu19Phe)

Gene: RNF13 (ring finger protein 13; plus strand). Cytogenetic location: 3q25.1.
Variant type: single nucleotide variant.
Coding change: c.57G>T on transcript NM_183381.3 (MANE Select); coding-DNA position 57, G replaced by T.
Protein change: p.Leu19Phe; replaces leucine 19 with phenylalanine.
Molecular consequence: missense variant. On other transcripts: 5 prime UTR variant (4), non-coding transcript variant (1), intron variant (2).
Genome position (GRCh38, 1-based): chr3:149,846,083, G>T. VCF-style: chr3-149846083-G-T. GRCh37 (hg19) VCF-style: chr3-149563870-G-T.
Other names: c.57G>T, p.Leu19Phe (NM_001378285.1, NM_001378286.1, NM_007282.4); c.-311G>T (NM_001378287.1, NM_001378288.1, NM_001378289.1 and 1 more transcripts); c.-253-6433G>T (NM_183383.2); c.-279-6433G>T (NM_001378291.1); short protein forms L19F.
Identifiers: ClinVar variation 1492876 (VCV001492876.32), dbSNP rs768978970, ClinGen allele CA2662880.
Genomic context (GRCh38, chr3:149,846,083, plus strand): 5'-CGAGATGCTGCTCTCCATAGGGATGCTCATGCTGTCAGCCACACAAGTCTACACCATCTT[G>T]ACTGTCCAGCTCTTTGCATTCTTAAACCTACTGCCTGTAGAAGCAGACATTTTAGCAGTA-3'
Protein context (NP_899237.1, residues 9-29): MLSATQVYTI[Leu19Phe]TVQLFAFLNL

ClinVar aggregate classification (germline): Uncertain significance. Review status: criteria provided, multiple submitters, no conflicts (2 of 4 stars). 2 submissions from 2 submitters: Uncertain significance (2). Last evaluated 2025-12-23.

Allele frequency attached by ClinVar (database versions not stated): ExAC 0.00001; gnomAD 0.00002; gnomAD exomes 0.00002 and 0.00003; TOPMed 0.00002.
gnomAD v4.1: 54 of 1,612,942 alleles (0.0033%); highest among the groups gnomAD compares: Middle Eastern, 0.019%; no homozygotes.

Submissions (2):

Labcorp Genetics (formerly Invitae), Labcorp
Classification: Uncertain significance. Last evaluated: 2025-12-23. Review status: criteria provided, single submitter. Criteria: Invitae Variant Classification Sherloc (09022015). Collection method: clinical testing. Allele origin: germline.
Comment: This sequence change replaces leucine, which is neutral and non-polar, with phenylalanine, which is neutral and non-polar, at codon 19 of the RNF13 protein (p.Leu19Phe). This variant is present in population databases (rs768978970, gnomAD 0.004%). This variant has not been reported in the literature in individuals affected with RNF13-related conditions. ClinVar contains an entry for this variant (Variation ID: 1492876). An algorithm developed to predict the effect of missense changes on protein structure and function (PolyPhen-2) suggests that this variant is likely to be tolerated. In summary, the available evidence is currently insufficient to determine the role of this variant in disease. Therefore, it has been classified as a Variant of Uncertain Significance.

CeGaT Center for Human Genetics Tuebingen
Classification: Uncertain significance. Last evaluated: 2023-02-01. Review status: criteria provided, single submitter. Criteria: CeGaT Center For Human Genetics Tuebingen Variant Classification Criteria Version 2. Collection method: clinical testing. Allele origin: germline. Affected: yes. Observed: 1 variant allele.